The following continues an entry in ClinVar:

NM_000369.5(TSHR):c.1349G>A (p.Arg450His)

ClinVar aggregate classification (germline): Pathogenic/Likely pathogenic. Pathogenic (13); Likely pathogenic (2).

Submissions 12 to 15 of 15:

Illumina Laboratory Services, Illumina
Classification: Pathogenic for Hypothyroidism due to TSH receptor mutations. Last evaluated: 2018-08-15. Review status: criteria provided, single submitter. Criteria: ICSL Variant Classification Criteria 09 May 2019. Collection method: clinical testing. Allele origin: germline.
Comment: Across a selection of the available literature, the TSHR c.1349G>A (p.Arg450His) missense variant has been identified in a homozygous state in at least ten individuals with congenital hypothyroidism, in a compound heterozygous state in at least four patients, and in a heterozygous state in ten patients in whom a second variant was not identified (Shibayama et al. 2005; Mizuno et al. 2009; Lee et al. 2011; Narumi et al. 2011; Chang et al. 2012; Fu et al. 2016). In at least one family, unaffected parents were identified as heterozygous carriers of the p.Arg450His variant. This variant was absent from 300 control chromosomes, but is reported at a frequency of 0.00335 in the East Asian population from the Exome Aggregation Consortium. In COS-7 cells, the p.Arg450His variant demonstrated slightly decreased cAMP production and slightly decreased TSH binding compared to wild type (Nagashima et al. 2001). In HEK293 cells, the p.Arg450His variant demonstrated 42% activity for Gs-coupled signaling and 8% activity for Gq-coupled signaling compared to wildtype (Narumi et al. 2011). Based on the collective evidence, the p.Arg450His variant is classified as pathogenic for congenital hypothyroidism. This variant was observed by ICSL as part of a predisposition screen in an ostensibly healthy population.

Laboratory for Molecular Medicine, Mass General Brigham Personalized Medicine
Classification: Pathogenic for Congenital hypothyroidism. Last evaluated: 2018-07-17. Review status: criteria provided, single submitter. Criteria: LMM Criteria. Collection method: clinical testing. Allele origin: germline. Inheritance: Autosomal recessive inheritance. Observed: 1 variant allele.
Comment: The p.Arg450His variant in TSHR has been reported in the homozygous or compound heterozygous state in >20 individuals with congenital hypothyroidism (Nagashima 2001, Shibayama 2005, Kanda 2006, Narumi 2009, Mizuno 2009, Satoh 2009, Ma 2010, Lee 2011, Narumi 2011, Chang 2012, Tsunekawa 2014, Park 2016, Wang 2017). Heter ozygous family members frequently displayed subclinical hypothyroidism (Ma 2010, Narumi 2009, Kanda 2006, Nagashima 2001). A significant association between the p.Arg450His variant and the risk of congenital hypothyroidism has been observed in one study (Chang 2012). This variant has been identified in 0.26% (49/18868) of East Asian chromosomes by the Genome Aggregation Database (gnomAD; dbSNP rs189261858). Although this variant has been seen in the general population, its frequency is not high enough to rule out a patho genic role. In vitro functional studies provide some evidence that the p.Arg450H is variant may impact protein function (Nagashima 2001, Narumi 2009, Narumi 2011 ); however, these types of assays may not accurately represent biological functi on. Computational prediction tools and conservation analysis suggest that the p. Arg450His variant may impact the protein, though this information is not predict ive enough to determine pathogenicity. In summary, this variant meets our criter ia to be classified as pathogenic for congenital hypothyroidism in an autosomal recessive manner. ACMG/AMP Criteria applied: PM3_VeryStrong; PP3; PS3_Supporting .

Soonchunhyang University Bucheon Hospital, Soonchunhyang University Medical Center
Classification: Pathogenic for Hypothyroidism due to TSH receptor mutations. Last evaluated: 2016-03-18. Review status: criteria provided, single submitter. Criteria: ACMG Guidelines, 2015. Collection method: reference population. Allele origin: germline. Observed: 1 variant allele.

Juno Genomics, Hangzhou Juno Genomics, Inc
Classification: Pathogenic for Hypothyroidism due to TSH receptor mutations. Review status: criteria provided, single submitter. Criteria: ACMG Guidelines, 2015. Collection method: clinical testing. Allele origin: germline.
Comment: For recessive disorders, detected in trans with a pathogenic variant.;Patient's phenotype or family history is highly specific for a disease with a single genetic etiology.;Co-segregation with disease in multiple affected family members.;Well-established in vitro or in vivo functional studies supportive of a damaging effect on the gene or gene product.

Literature cited by the submitters: PubMed 38194289 (cited by Victorian Clinical Genetics Services, Murdoch Childrens Research Institute); PubMed 38433572 (cited by Victorian Clinical Genetics Services, Murdoch Childrens Research Institute); PubMed 17526952 (cited by Women's Health and Genetics/Laboratory Corporation of America, LabCorp and Laboratory for Molecular Medicine, Mass General Brigham Personalized Medicine); PubMed 21677043 (cited by 4 submitters); PubMed 11442002 (cited by 4 submitters); PubMed 19506388 (cited by 3 submitters); PubMed 30083029 (cited by Labcorp Genetics (formerly Invitae), Labcorp); PubMed 31356790 (cited by Labcorp Genetics (formerly Invitae), Labcorp); PubMed 16756469 (cited by Labcorp Genetics (formerly Invitae), Labcorp); PubMed 27637299 (cited by Illumina Laboratory Services, Illumina and Laboratory for Molecular Medicine, Mass General Brigham Personalized Medicine); PubMed 22405933 (cited by Illumina Laboratory Services, Illumina and Laboratory for Molecular Medicine, Mass General Brigham Personalized Medicine); PubMed 15693879 (cited by Illumina Laboratory Services, Illumina and Laboratory for Molecular Medicine, Mass General Brigham Personalized Medicine); PubMed 21707688 (cited by Illumina Laboratory Services, Illumina and Laboratory for Molecular Medicine, Mass General Brigham Personalized Medicine); PubMed 28455095 (cited by Laboratory for Molecular Medicine, Mass General Brigham Personalized Medicine); PubMed 28444304 (cited by Laboratory for Molecular Medicine, Mass General Brigham Personalized Medicine); PubMed 27084275 (cited by Laboratory for Molecular Medicine, Mass General Brigham Personalized Medicine); PubMed 26709262 (cited by Laboratory for Molecular Medicine, Mass General Brigham Personalized Medicine); PubMed 24895636 (cited by Laboratory for Molecular Medicine, Mass General Brigham Personalized Medicine); PubMed 23926367 (cited by Laboratory for Molecular Medicine, Mass General Brigham Personalized Medicine); PubMed 21714469 (cited by Laboratory for Molecular Medicine, Mass General Brigham Personalized Medicine and Soonchunhyang University Bucheon Hospital, Soonchunhyang University Medical Center); PubMed 19158199 (cited by Laboratory for Molecular Medicine, Mass General Brigham Personalized Medicine); PubMed 22876533 (cited by Soonchunhyang University Bucheon Hospital, Soonchunhyang University Medical Center).